The following is an entry in ClinVar:

ClinVar aggregate classification (germline): Uncertain significance. Review status: criteria provided, multiple submitters, no conflicts (2 of 4 stars). 2 submissions from 2 submitters: Uncertain significance (2). Last evaluated 2025-06-18.

Conditions:
Osteogenesis imperfecta type I (OI1). Also called: Lobstein disease; Classic Non-deforming Osteogenesis Imperfecta with Blue Sclerae; OI, TYPE I; OSTEOGENESIS IMPERFECTA TARDA; OSTEOGENESIS IMPERFECTA WITH BLUE SCLERAE; Osteogenesis imperfecta type 1. Identifiers: Orphanet 216796, Orphanet 666, MedGen C0023931, MONDO:0008146, OMIM 166200. Disease mechanism: loss of function.
Cardiovascular phenotype. Identifiers: MedGen CN230736.

gnomAD v4.1: 4 of 1,614,150 alleles (0.00025%); highest among the groups gnomAD compares: Non-Finnish European, 0.00034%; no homozygotes.

Submissions (2):

Ambry Genetics
Classification: Uncertain significance for Cardiovascular phenotype. Last evaluated: 2025-06-18. Review status: criteria provided, single submitter. Criteria: Ambry Variant Classification Scheme 2023. Collection method: clinical testing. Allele origin: germline.
Comment: The c.858G>A variant (also known as p.K286K) is located in coding exon 12 of the COL1A1 gene. This variant results from a G to A substitution at nucleotide position 858. This nucleotide substitution does not change the amino acid at codon 286. However, this change occurs in the last base pair of coding exon 12, which makes it likely to have some effect on normal mRNA splicing. This nucleotide position is highly conserved in available vertebrate species. In silico splice site analysis predicts that this alteration will not have any significant effect on splicing. Based on the available evidence, the clinical significance of this variant remains unclear.

Labcorp Genetics (formerly Invitae), Labcorp
Classification: Uncertain significance for Osteogenesis imperfecta type I. Last evaluated: 2025-05-04. Review status: criteria provided, single submitter. Criteria: Invitae Variant Classification Sherloc (09022015). Collection method: clinical testing. Allele origin: germline.
Comment: This sequence change affects codon 286 of the COL1A1 mRNA. It is a 'silent' change, meaning that it does not change the encoded amino acid sequence of the COL1A1 protein. This variant also falls at the last nucleotide of exon 12, which is part of the consensus splice site for this exon. This variant is present in population databases (no rsID available, gnomAD 0.007%). This variant has not been reported in the literature in individuals affected with COL1A1-related conditions. Variants that disrupt the consensus splice site are a relatively common cause of aberrant splicing (PMID: 17576681, 9536098). Algorithms developed to predict the effect of sequence changes on RNA splicing suggest that this variant may disrupt the consensus splice site. In summary, the available evidence is currently insufficient to determine the role of this variant in disease. Therefore, it has been classified as a Variant of Uncertain Significance.

Literature cited by the submitters: PubMed 17576681 (cited by Labcorp Genetics (formerly Invitae), Labcorp); PubMed 9536098 (cited by Labcorp Genetics (formerly Invitae), Labcorp).

NM_000088.4(COL1A1):c.858G>A (p.Lys286=)

Genes: COL1A1 (collagen type I alpha 1 chain; minus strand), LOC126862586 (CDK7 strongly-dependent group 2 enhancer GRCh37_chr17:48273702-48274901; plus strand). Cytogenetic location: 17q21.33.
Variant type: single nucleotide variant.
Coding change: c.858G>A on transcript NM_000088.4 (MANE Select); coding-DNA position 858, G replaced by A.
Protein change: p.Lys286=; no amino-acid change (lysine 286 retained).
Molecular consequence: synonymous variant.
Genome position (GRCh38, 1-based): chr17:50,196,617, C>T on the plus strand (G>A on the coding strand, the complement: COL1A1 is on the minus strand). VCF-style: chr17-50196617-C-T. GRCh37 (hg19) VCF-style: chr17-48273978-C-T.
Identifiers: ClinVar variation 4231940 (VCV004231940.2).
Genomic context (GRCh38, chr17:50,196,617, plus strand): 5'-ATTCATTCATGGTGGGACTCTGGGGATGTGGAGGACCATGATGTTCAGACAGCCTCTTAC[C>T]TTAGGACCAGCAGGACCAGCATCTCCCTTGGCACCATCCAAACCACTGAAACCCTAAAGC-3'
Protein context (NP_000079.2, residues 276-296): AKGDAGPAGP[Lys286=]GEPGSPGENG